The following is an entry in ClinVar:

ClinVar aggregate classification (germline): Uncertain significance. Review status: criteria provided, multiple submitters, no conflicts (2 of 4 stars). 2 submissions from 2 submitters: Uncertain significance (2). Last evaluated 2024-08-21.

Conditions:
Fanconi anemia (FA). Also called: Fanconi's anemia. Identifiers: Orphanet 84, MedGen C0015625, MeSH D005199, MONDO:0019391.
Fanconi anemia complementation group A (FANCA). Also called: Fanconi anemia, group A; FANCA-Related Fanconi Anemia. Identifiers: Orphanet 84, MedGen C3469521, MONDO:0009215, OMIM 227650.

Allele frequency attached by ClinVar (database versions not stated): TOPMed 0.00002.
gnomAD v4.1: 3 of 1,613,778 alleles (0.00019%); highest among the groups gnomAD compares: East Asian, 0.0045%; no homozygotes.

Submissions (2):

Labcorp Genetics (formerly Invitae), Labcorp
Classification: Uncertain significance for Fanconi anemia. Last evaluated: 2024-08-21. Review status: criteria provided, single submitter. Criteria: Invitae Variant Classification Sherloc (09022015). Collection method: clinical testing. Allele origin: germline.
Comment: This sequence change replaces aspartic acid, which is acidic and polar, with valine, which is neutral and non-polar, at codon 948 of the FANCA protein (p.Asp948Val). This variant is not present in population databases (gnomAD no frequency). This variant has not been reported in the literature in individuals affected with FANCA-related conditions. ClinVar contains an entry for this variant (Variation ID: 998546). Invitae Evidence Modeling of protein sequence and biophysical properties (such as structural, functional, and spatial information, amino acid conservation, physicochemical variation, residue mobility, and thermodynamic stability) indicates that this missense variant is expected to disrupt FANCA protein function with a positive predictive value of 80%. In summary, the available evidence is currently insufficient to determine the role of this variant in disease. Therefore, it has been classified as a Variant of Uncertain Significance.

Fulgent Genetics
Classification: Uncertain significance for Fanconi anemia complementation group A. Last evaluated: 2024-01-09. Review status: criteria provided, single submitter. Criteria: ACMG Guidelines, 2015. Collection method: clinical testing. Allele origin: germline.

NM_000135.4(FANCA):c.2843A>T (p.Asp948Val)

Gene: FANCA (FA complementation group A; minus strand). Cytogenetic location: 16q24.3.
Variant type: single nucleotide variant.
Coding change: c.2843A>T on transcript NM_000135.4 (MANE Select); coding-DNA position 2843, A replaced by T.
Protein change: p.Asp948Val; replaces aspartic acid 948 with valine.
Molecular consequence: missense variant.
Genome position (GRCh38, 1-based): chr16:89,761,958, T>A on the plus strand (A>T on the coding strand, the complement: FANCA is on the minus strand). VCF-style: chr16-89761958-T-A. GRCh37 (hg19) VCF-style: chr16-89828366-T-A.
Other names: c.2843A>T, p.Asp948Val (NM_001286167.3); short protein forms D948V.
Identifiers: ClinVar variation 998546 (VCV000998546.10), dbSNP rs193172749, ClinGen allele CA286552375.